The following is an entry in ClinVar:

ClinVar aggregate classification (germline): Uncertain significance (1 of 4 stars; one submission).

Submission:

GeneDx
Classification: Uncertain significance. Last evaluated: 2024-08-09. Review status: criteria provided, single submitter. Criteria: GeneDx Variant Classification Process June 2021. Collection method: clinical testing. Allele origin: germline. Affected: yes.
Comment: Not observed at significant frequency in large population cohorts (gnomAD); In silico analysis indicates that this missense variant does not alter protein structure/function; Has not been previously published as pathogenic or benign to our knowledge

NM_003128.3(SPTBN1):c.2066G>C (p.Gly689Ala)

Gene: SPTBN1 (spectrin beta, non-erythrocytic 1; plus strand). Cytogenetic location: 2p16.2.
Variant type: single nucleotide variant.
Coding change: c.2066G>C on transcript NM_003128.3 (MANE Select); coding-DNA position 2066, G replaced by C.
Protein change: p.Gly689Ala; replaces glycine 689 with alanine.
Molecular consequence: missense variant.
Genome position (GRCh38, 1-based): chr2:54,629,200, G>C. VCF-style: chr2-54629200-G-C. GRCh37 (hg19) VCF-style: chr2-54856337-G-C.
Other names: c.2027G>C, p.Gly676Ala (NM_178313.3); short protein forms G676A, G689A.
Identifiers: ClinVar variation 3602862 (VCV003602862.1).